The following is an entry in ClinVar:

ClinVar aggregate classification (germline): Conflicting classifications of pathogenicity. Review status: criteria provided, conflicting classifications (1 of 4 stars). 4 submissions from 4 submitters: Uncertain significance (2); Likely benign (2). Last evaluated 2025-10-13.

Conditions:
Inborn genetic diseases. Identifiers: MedGen C0950123, MeSH D030342.

Allele frequency attached by ClinVar (database versions not stated): TOPMed 0.00003; gnomAD exomes 0.00025; 1000 Genomes Project 30x 0.00094; ExAC 0.00427.
gnomAD v4.1: 109 of 1,224,464 alleles (0.0089%); highest among the groups gnomAD compares: South Asian, 0.24%; 4 homozygotes.

Submissions (4):

Labcorp Genetics (formerly Invitae), Labcorp
Classification: Uncertain significance. Last evaluated: 2025-10-13. Review status: criteria provided, single submitter. Criteria: Invitae Variant Classification Sherloc (09022015). Collection method: clinical testing. Allele origin: germline.
Comment: This sequence change replaces proline, which is neutral and non-polar, with alanine, which is neutral and non-polar, at codon 1093 of the GRIN2D protein (p.Pro1093Ala). This variant is present in population databases (rs752857170, gnomAD 0.1%). This variant has not been reported in the literature in individuals affected with GRIN2D-related conditions. ClinVar contains an entry for this variant (Variation ID: 1424539). Invitae Evidence Modeling of protein sequence and biophysical properties (such as structural, functional, and spatial information, amino acid conservation, physicochemical variation, residue mobility, and thermodynamic stability) indicates that this missense variant is not expected to disrupt GRIN2D protein function with a negative predictive value of 95%. In summary, the available evidence is currently insufficient to determine the role of this variant in disease. Therefore, it has been classified as a Variant of Uncertain Significance.

Ambry Genetics
Classification: Uncertain significance for Inborn genetic diseases. Last evaluated: 2025-08-29. Review status: criteria provided, single submitter. Criteria: Ambry Variant Classification Scheme 2023. Collection method: clinical testing. Allele origin: germline.

Blueprint Genetics
Classification: Likely benign. Last evaluated: 2024-09-02. Review status: criteria provided, single submitter. Criteria: ACMG Guidelines, 2015. Collection method: clinical testing. Allele origin: germline.

CeGaT Center for Human Genetics Tuebingen
Classification: Likely benign. Last evaluated: 2023-02-01. Review status: criteria provided, single submitter. Criteria: CeGaT Center For Human Genetics Tuebingen Variant Classification Criteria Version 2. Collection method: clinical testing. Allele origin: germline. Affected: yes. Observed: 1 variant allele.
Comment: GRIN2D: PP2, BS2

NM_000836.4(GRIN2D):c.3277C>G (p.Pro1093Ala)

Gene: GRIN2D (glutamate ionotropic receptor NMDA type subunit 2D; plus strand). Cytogenetic location: 19q13.33.
Variant type: single nucleotide variant.
Coding change: c.3277C>G on transcript NM_000836.4 (MANE Select); coding-DNA position 3277, C replaced by G.
Protein change: p.Pro1093Ala; replaces proline 1093 with alanine.
Molecular consequence: missense variant.
Genome position (GRCh38, 1-based): chr19:48,443,203, C>G. VCF-style: chr19-48443203-C-G. GRCh37 (hg19) VCF-style: chr19-48946460-C-G.
Other names: c.3277C>G (NM_000836.2); short protein forms P1093A.
Identifiers: ClinVar variation 1424539 (VCV001424539.32), dbSNP rs752857170, ClinGen allele CA9550823.
Genomic context (GRCh38, chr19:48,443,203, plus strand): 5'-GGGCCAGGCGCGGGCGGCGCGGGGGGCACGGGGGGCGCAGGCGGAGGAGCCCCGGCCGCT[C>G]CGCCCCCGTGCCGCGCCGCGCCGCCCCCGTGCCCTTACCTCGATCTCGAGCCGTCGCCGT-3'
Protein context (NP_000827.2, residues 1083-1103): GGAGGGAPAA[Pro1093Ala]PPCRAAPPPC